The following is an entry in ClinVar:

NM_019045.5(WDR44):c.1163T>A (p.Ile388Asn)

Gene: WDR44 (WD repeat domain 44; plus strand). Cytogenetic location: Xq24.
Variant type: single nucleotide variant.
Coding change: c.1163T>A on transcript NM_019045.5 (MANE Select); coding-DNA position 1163, T replaced by A.
Protein change: p.Ile388Asn; replaces isoleucine 388 with asparagine.
Molecular consequence: missense variant.
Genome position (GRCh38, 1-based): chrX:118,397,079, T>A. VCF-style: chrX-118397079-T-A. GRCh37 (hg19) VCF-style: chrX-117531042-T-A.
Other names: c.1163T>A, p.Ile388Asn (NM_001184965.2); c.1088T>A, p.Ile363Asn (NM_001184966.1); short protein forms I363N, I388N.
Identifiers: ClinVar variation 4532150 (VCV004532150.1).

ClinVar aggregate classification (germline): Likely pathogenic (1 of 4 stars; one submission).

Conditions:
Ciliopathy. Also called: Ciliopathies. Identifiers: Orphanet 363250, MedGen C4277690, MONDO:0005308, MeSH D000072661.

Submission:

Victorian Clinical Genetics Services, Murdoch Childrens Research Institute
Classification: Likely pathogenic for Ciliopathy. Last evaluated: 2025-03-25. Review status: criteria provided, single submitter. Criteria: ACMG Guidelines, 2015. Collection method: clinical testing. Allele origin: germline. Affected: yes.
Comment: This variant is classified as Likely pathogenic. Evidence in support of pathogenic classification: Variant is absent from gnomAD (v2, v3 and v4); Missense variant predicted to be damaging by in silico tool(s) or highly conserved with a major amino acid change; Additional information: Variant is predicted to result in a missense amino acid change from isoleucine to asparagine; This variant is hemizygous; This gene is associated with X-linked recessive disease; Alternative amino acid change(s) at the same position are present in gnomAD (Highest allele count: v4: 1 heterozygote(s), 0 homozygote(s), 0 hemizygote(s)); This variant has no previous evidence of pathogenicity; No published segregation evidence has been identified for this variant; No published functional evidence has been identified for this variant; No comparable missense variants have previous evidence for pathogenicity; Variant is not located in an established domain, motif, hotspot or informative constraint region; The mechanism of disease for this gene is not clearly established (PMID: 38191484).

Literature cited by the submitters: PubMed 38191484.